The following is an entry in ClinVar:

NM_000321.3(RB1):c.1694C>G (p.Ser565Ter)

Gene: RB1 (RB transcriptional corepressor 1; plus strand). Cytogenetic location: 13q14.2.
Variant type: single nucleotide variant.
Coding change: c.1694C>G on transcript NM_000321.3 (MANE Select); coding-DNA position 1694, C replaced by G.
Protein change: p.Ser565Ter; replaces serine 565 with a stop codon.
Molecular consequence: nonsense.
Genome position (GRCh38, 1-based): chr13:48,381,442, C>G. VCF-style: chr13-48381442-C-G. GRCh37 (hg19) VCF-style: chr13-48955578-C-G.
Other names: c.1694C>G, p.Ser565Ter (NM_001407165.1, NM_001407166.1); short protein forms S565*.
Identifiers: ClinVar variation 3651771 (VCV003651771.2).

ClinVar aggregate classification (germline): Pathogenic (1 of 4 stars; one submission).

Conditions:
Retinoblastoma (RB1). Also called: RETINOBLASTOMA, SOMATIC. Identifiers: Orphanet 790, MedGen C0035335, MeSH D012175, MONDO:0008380, OMIM 180200, HP:0009919. Disease mechanism: loss of function. Inheritance: Both sporadic and heritable forms are tested..

Submission:

Labcorp Genetics (formerly Invitae), Labcorp
Classification: Pathogenic for Retinoblastoma. Last evaluated: 2025-05-19. Review status: criteria provided, single submitter. Criteria: Invitae Variant Classification Sherloc (09022015). Collection method: clinical testing. Allele origin: germline.
Comment: This sequence change creates a premature translational stop signal (p.Ser565*) in the RB1 gene. It is expected to result in an absent or disrupted protein product. Loss-of-function variants in RB1 are known to be pathogenic (PMID: 17096365). This variant is not present in population databases (gnomAD no frequency). This variant has not been reported in the literature in individuals affected with RB1-related conditions. ClinVar contains an entry for this variant (Variation ID: 3651771). For these reasons, this variant has been classified as Pathogenic.

Literature cited by the submitters: PubMed 17096365.